The following is an entry in ClinVar:

NM_004565.3(PEX14):c.419A>G (p.Glu140Gly)

Gene: PEX14 (peroxisomal biogenesis factor 14; plus strand). Cytogenetic location: 1p36.22.
Variant type: single nucleotide variant.
Coding change: c.419A>G on transcript NM_004565.3 (MANE Select); coding-DNA position 419, A replaced by G.
Protein change: p.Glu140Gly; replaces glutamic acid 140 with glycine.
Molecular consequence: missense variant.
Genome position (GRCh38, 1-based): chr1:10,623,053, A>G. VCF-style: chr1-10623053-A-G. GRCh37 (hg19) VCF-style: chr1-10683110-A-G.
Other names: short protein forms E140G.
Identifiers: ClinVar variation 3693161 (VCV003693161.2).

ClinVar aggregate classification (germline): Uncertain significance (1 of 4 stars; one submission).

Conditions:
Peroxisome biogenesis disorder, complementation group K (CGK). Identifiers: MedGen C1866257, MONDO:0800365.

Submission:

Labcorp Genetics (formerly Invitae), Labcorp
Classification: Uncertain significance for Peroxisome biogenesis disorder, complementation group K. Last evaluated: 2024-07-10. Review status: criteria provided, single submitter. Criteria: Invitae Variant Classification Sherloc (09022015). Collection method: clinical testing. Allele origin: germline.
Comment: This sequence change replaces glutamic acid, which is acidic and polar, with glycine, which is neutral and non-polar, at codon 140 of the PEX14 protein (p.Glu140Gly). This variant is not present in population databases (gnomAD no frequency). This variant has not been reported in the literature in individuals affected with PEX14-related conditions. Advanced modeling of protein sequence and biophysical properties (such as structural, functional, and spatial information, amino acid conservation, physicochemical variation, residue mobility, and thermodynamic stability) performed at Invitae indicates that this missense variant is expected to disrupt PEX14 protein function with a positive predictive value of 80%. In summary, the available evidence is currently insufficient to determine the role of this variant in disease. Therefore, it has been classified as a Variant of Uncertain Significance.